The following is an entry in ClinVar:

NM_000074.3(CD40LG):c.15C>A (p.Tyr5Ter)

Gene: CD40LG (CD40 ligand; plus strand). Cytogenetic location: Xq26.3.
Variant type: single nucleotide variant.
Coding change: c.15C>A on transcript NM_000074.3 (MANE Select); coding-DNA position 15, C replaced by A.
Protein change: p.Tyr5Ter; replaces tyrosine 5 with a stop codon.
Molecular consequence: nonsense.
Genome position (GRCh38, 1-based): chrX:136,648,263, C>A. VCF-style: chrX-136648263-C-A. GRCh37 (hg19) VCF-style: chrX-135730422-C-A.
Other names: short protein forms Y5*.
Identifiers: ClinVar variation 1071618 (VCV001071618.9), dbSNP rs2148550523, ClinGen allele CA414751446.

ClinVar aggregate classification (germline): Pathogenic (1 of 4 stars; one submission).

Conditions:
Hyper-IgM syndrome type 1. Also called: CD40 Ligand Deficiency; X-linked hyper-IgM syndrome; Immunodeficiency, X-linked, with hyper-IgM; Hyper-IgM Immunodeficiency Syndrome, Type 1. Identifiers: Orphanet 101088, MedGen C0398689, MONDO:0010626, OMIM 308230.

Submission:

Labcorp Genetics (formerly Invitae), Labcorp
Classification: Pathogenic for Hyper-IgM syndrome type 1. Last evaluated: 2022-08-23. Review status: criteria provided, single submitter. Criteria: Invitae Variant Classification Sherloc (09022015). Collection method: clinical testing. Allele origin: germline.
Comment: ClinVar contains an entry for this variant (Variation ID: 1071618). This variant has not been reported in the literature in individuals affected with CD40LG-related conditions. This variant is not present in population databases (gnomAD no frequency). This sequence change creates a premature translational stop signal (p.Tyr5*) in the CD40LG gene. It is expected to result in an absent or disrupted protein product. Loss-of-function variants in CD40LG are known to be pathogenic (PMID: 15319456). For these reasons, this variant has been classified as Pathogenic.

Literature cited by the submitters: PubMed 15319456.